The following is an entry in ClinVar:

ClinVar aggregate classification (germline): Benign (1 of 4 stars; one submission).

Allele frequency attached by ClinVar (database versions not stated): TOPMed 0.00011; gnomAD 0.00013; ESP Exome Variant Server 0.00015; 1000 Genomes Project 30x 0.00031; 1000 Genomes Project 0.00040.
gnomAD v4.1: 381 of 1,612,128 alleles (0.024%); highest among the groups gnomAD compares: South Asian, 0.2%; no homozygotes.

Submission:

CeGaT Center for Human Genetics Tuebingen
Classification: Benign. Last evaluated: 2024-01-01. Review status: criteria provided, single submitter. Criteria: CeGaT Center For Human Genetics Tuebingen Variant Classification Criteria Version 2. Collection method: clinical testing. Allele origin: germline. Affected: yes. Observed: 1 variant allele.
Comment: CLIP2: BP4, BS1, BS2

NM_003388.5(CLIP2):c.2351G>A (p.Arg784Gln)

Gene: CLIP2 (CAP-Gly domain containing linker protein 2; plus strand). Cytogenetic location: 7q11.23.
Variant type: single nucleotide variant.
Coding change: c.2351G>A on transcript NM_003388.5 (MANE Select); coding-DNA position 2351, G replaced by A.
Protein change: p.Arg784Gln; replaces arginine 784 with glutamine.
Molecular consequence: missense variant.
Genome position (GRCh38, 1-based): chr7:74,376,752, G>A. VCF-style: chr7-74376752-G-A. GRCh37 (hg19) VCF-style: chr7-73791082-G-A.
Other names: c.2246G>A, p.Arg749Gln (NM_032421.3); short protein forms R749Q, R784Q.
Identifiers: ClinVar variation 3025201 (VCV003025201.22), dbSNP rs199672192, ClinGen allele CA4295993.